The following is an entry in ClinVar:

ClinVar aggregate classification (germline): Uncertain significance (1 of 4 stars; one submission).

gnomAD v4.1: 6 of 1,613,324 alleles (0.00037%); highest among the groups gnomAD compares: Non-Finnish European, 0.000085%; no homozygotes.

Submission:

Labcorp Genetics (formerly Invitae), Labcorp
Classification: Uncertain significance. Last evaluated: 2024-02-28. Review status: criteria provided, single submitter. Criteria: Invitae Variant Classification Sherloc (09022015). Collection method: clinical testing. Allele origin: germline.
Comment: This sequence change replaces glycine, which is neutral and non-polar, with alanine, which is neutral and non-polar, at codon 56 of the C7 protein (p.Gly56Ala). This variant is present in population databases (rs750162415, gnomAD 0.02%). This variant has not been reported in the literature in individuals affected with C7-related conditions. Advanced modeling of protein sequence and biophysical properties (such as structural, functional, and spatial information, amino acid conservation, physicochemical variation, residue mobility, and thermodynamic stability) performed at Invitae indicates that this missense variant is not expected to disrupt C7 protein function with a negative predictive value of 80%. In summary, the available evidence is currently insufficient to determine the role of this variant in disease. Therefore, it has been classified as a Variant of Uncertain Significance.

NM_000587.4(C7):c.167G>C (p.Gly56Ala)

Gene: C7 (complement C7; plus strand). Cytogenetic location: 5p13.1.
Variant type: single nucleotide variant.
Coding change: c.167G>C on transcript NM_000587.4 (MANE Select); coding-DNA position 167, G replaced by C.
Protein change: p.Gly56Ala; replaces glycine 56 with alanine.
Molecular consequence: missense variant.
Genome position (GRCh38, 1-based): chr5:40,934,353, G>C. VCF-style: chr5-40934353-G-C. GRCh37 (hg19) VCF-style: chr5-40934455-G-C.
Other names: short protein forms G56A.
Identifiers: ClinVar variation 3680853 (VCV003680853.2).